The following is an entry in ClinVar:

NM_173689.7(CRB2):c.5C>T (p.Ala2Val)

Gene: CRB2 (crumbs cell polarity complex component 2; plus strand). Cytogenetic location: 9q33.3.
Variant type: single nucleotide variant.
Coding change: c.5C>T on transcript NM_173689.7 (MANE Select); coding-DNA position 5, C replaced by T.
Protein change: p.Ala2Val; replaces alanine 2 with valine.
Molecular consequence: missense variant.
Genome position (GRCh38, 1-based): chr9:123,356,265, C>T. VCF-style: chr9-123356265-C-T. GRCh37 (hg19) VCF-style: chr9-126118544-C-T.
Other names: p.Ala2Val; c.5C>T (NM_173689.5); short protein forms A2V.
Identifiers: ClinVar variation 729496 (VCV000729496.19), dbSNP rs201425854, ClinGen allele CA5231531.
Genomic context (GRCh38, chr9:123,356,265, plus strand): 5'-AGCCAGGCCGCCCTCCCGTTCTCACAGCAGCCGAGCAGAGCGCAGAGCGGGCTGCCATGG[C>T]GCTGGCCAGGCCTGGGACCCCGGACCCCCAGGCCCTGGCCTCTGTCCTGCTACTGCTGCT-3'
Protein context (NP_775960.4, residues 1-12): M[Ala2Val]LARPGTPDPQ

ClinVar aggregate classification (germline): Benign/Likely benign. Review status: criteria provided, multiple submitters, no conflicts (2 of 4 stars). 9 submissions from 9 submitters: Benign (3); Likely benign (3). 3 of the submissions do not count toward it. Last evaluated 2026-01-02.

Conditions:
CRB2-related disorder. Also called: CRB2-related disorders; CRB2-related condition.
Inborn genetic diseases. Identifiers: MedGen C0950123, MeSH D030342.

Allele frequency attached by ClinVar (database versions not stated): 1000 Genomes Project 0.00040; 1000 Genomes Project 30x 0.00062; ESP Exome Variant Server 0.00107; TOPMed 0.00212; ExAC 0.00280; gnomAD exomes 0.00295 and 0.00340; gnomAD 0.00318 and 0.00326.
gnomAD v4.1: 5,064 of 1,520,152 alleles (0.33%); highest among the groups gnomAD compares: Non-Finnish European, 0.36%; 22 homozygotes.

Submissions (9):

Labcorp Genetics (formerly Invitae), Labcorp
Classification: Benign. Last evaluated: 2026-01-02. Review status: criteria provided, single submitter. Criteria: Invitae Variant Classification Sherloc (09022015). Collection method: clinical testing. Allele origin: germline.

Blueprint Genetics
Classification: Likely benign. Last evaluated: 2024-11-22. Review status: criteria provided, single submitter. Criteria: ACMG Guidelines, 2015. Collection method: clinical testing. Allele origin: germline.

GeneDx
Classification: Likely benign. Last evaluated: 2024-08-13. Review status: criteria provided, single submitter. Criteria: GeneDx Variant Classification Process June 2021. Collection method: clinical testing. Allele origin: germline. Affected: yes.
Comment: See Variant Classification Assertion Criteria.

Mayo Clinic Laboratories, Mayo Clinic
Classification: Benign. Last evaluated: 2023-12-29. Review status: criteria provided, single submitter. Criteria: ACMG Guidelines, 2015. Collection method: clinical testing. Allele origin: germline. Observed: 2 variant alleles.
Comment: BS1, BS2

Ambry Genetics
Classification: Likely benign for Inborn genetic diseases. Last evaluated: 2021-10-18. Review status: criteria provided, single submitter. Criteria: Ambry Variant Classification Scheme 2023. Collection method: clinical testing. Allele origin: germline.

Breakthrough Genomics
Classification: Benign. Review status: criteria provided, single submitter. Criteria: ACMG Guidelines, 2015. Collection method: not provided. Allele origin: germline. Inheritance: Autosomal recessive inheritance. Affected: yes.

PreventionGenetics, part of Exact Sciences
Classification: Likely benign for CRB2-related condition. Last evaluated: 2020-01-14. Review status: no assertion criteria provided. Collection method: clinical testing. Allele origin: germline. Not counted in ClinVar's aggregate classification.
Comment: This variant is classified as likely benign based on ACMG/AMP sequence variant interpretation guidelines (Richards et al. 2015 PMID: 25741868, with internal and published modifications).

Clinical Genetics DNA and cytogenetics Diagnostics Lab, Erasmus MC, Erasmus Medical Center
Classification: Likely benign. Review status: no assertion criteria provided. Collection method: clinical testing. Allele origin: germline. Affected: yes. Study: VKGL Data-share Consensus. Not counted in ClinVar's aggregate classification.

Genome Diagnostics Laboratory, University Medical Center Utrecht
Classification: Likely benign. Review status: no assertion criteria provided. Collection method: clinical testing. Allele origin: germline. Affected: yes. Study: VKGL Data-share Consensus. Not counted in ClinVar's aggregate classification.